The following is an entry in ClinVar:

ClinVar aggregate classification (germline): Uncertain significance (1 of 4 stars; one submission).

Allele frequency attached by ClinVar (database versions not stated): TOPMed below 0.00001; gnomAD exomes 0.00001.
gnomAD v4.1: 12 of 1,596,188 alleles (0.00075%); highest among the groups gnomAD compares: Non-Finnish European, 0.001%; no homozygotes.

Submission:

Labcorp Genetics (formerly Invitae), Labcorp
Classification: Uncertain significance. Last evaluated: 2024-02-24. Review status: criteria provided, single submitter. Criteria: Invitae Variant Classification Sherloc (09022015). Collection method: clinical testing. Allele origin: germline.
Comment: This sequence change replaces histidine, which is basic and polar, with glutamine, which is neutral and polar, at codon 808 of the MPDZ protein (p.His808Gln). This variant is present in population databases (no rsID available, gnomAD 0.002%). This variant has not been reported in the literature in individuals affected with MPDZ-related conditions. ClinVar contains an entry for this variant (Variation ID: 1386870). An algorithm developed to predict the effect of missense changes on protein structure and function (PolyPhen-2) suggests that this variant is likely to be tolerated. In summary, the available evidence is currently insufficient to determine the role of this variant in disease. Therefore, it has been classified as a Variant of Uncertain Significance.

NM_001378778.1(MPDZ):c.2424C>G (p.His808Gln)

Gene: MPDZ (multiple PDZ domain crumbs cell polarity complex component; minus strand). Cytogenetic location: 9p23.
Variant type: single nucleotide variant.
Coding change: c.2424C>G on transcript NM_001378778.1 (MANE Select); coding-DNA position 2424, C replaced by G.
Protein change: p.His808Gln; replaces histidine 808 with glutamine.
Molecular consequence: missense variant.
Genome position (GRCh38, 1-based): chr9:13,186,327, G>C on the plus strand (C>G on the coding strand, the complement: MPDZ is on the minus strand). VCF-style: chr9-13186327-G-C. GRCh37 (hg19) VCF-style: chr9-13186326-G-C.
Other names: c.2424C>G, p.His808Gln (NM_001261406.2, NM_001261407.2, NM_001330637.2 and 14 more transcripts); short protein forms H808Q.
Identifiers: ClinVar variation 1386870 (VCV001386870.6), dbSNP rs1422613522, ClinGen allele CA372936389.